The following is an entry in ClinVar:

NM_001032283.3(TMPO):c.565+1083A>G

Gene: TMPO (thymopoietin; plus strand). Cytogenetic location: 12q23.1.
Variant type: single nucleotide variant.
Coding change: c.565+1083A>G on transcript NM_001032283.3 (MANE Select); 1083 bases into the intron after coding-DNA position 565, A replaced by G.
Molecular consequence: intron variant. On other transcripts: missense variant (1).
Genome position (GRCh38, 1-based): chr12:98,532,921, A>G. VCF-style: chr12-98532921-A-G. GRCh37 (hg19) VCF-style: chr12-98926699-A-G.
Other names: c.664A>G, p.Ile222Val (NM_003276.2); c.565+1083A>G (NM_001307975.2, NM_001032284.3); short protein forms I222V.
Identifiers: ClinVar variation 4803938 (VCV004803938.1).

ClinVar aggregate classification (germline): Uncertain significance (1 of 4 stars; one submission).

Conditions:
Loeys-Dietz syndrome 2 (LDS2). Also called: Marfan syndrome, type 2 (formerly); AORTIC ANEURYSM, FAMILIAL THORACIC 3; MARFAN SYNDROME, TYPE II; TGFBR2-Related Loeys-Dietz Syndrome; Marfan Syndrome type 2; Marfan like connective tissue disorder. Identifiers: Orphanet 284973, Orphanet 558, MedGen C2674574, MONDO:0012427, OMIM 610168.

gnomAD v4.1: 47 of 1,613,952 alleles (0.0029%); highest among the groups gnomAD compares: Non-Finnish European, 0.0038%; no homozygotes.

Submission:

Labcorp Genetics (formerly Invitae), Labcorp
Classification: Uncertain significance for Loeys-Dietz syndrome 2. Last evaluated: 2025-12-16. Review status: criteria provided, single submitter. Criteria: Invitae Variant Classification Sherloc (09022015). Collection method: clinical testing. Allele origin: germline.
Comment: This sequence change replaces isoleucine, which is neutral and non-polar, with valine, which is neutral and non-polar, at codon 222 of the TMPO protein (p.Ile222Val). This variant is present in population databases (rs759225445, gnomAD 0.003%). This variant has not been reported in the literature in individuals affected with TMPO-related conditions. Invitae Evidence Modeling of protein sequence and biophysical properties (such as structural, functional, and spatial information, amino acid conservation, physicochemical variation, residue mobility, and thermodynamic stability) indicates that this missense variant is not expected to disrupt TMPO protein function with a negative predictive value of 80%. In summary, the available evidence is currently insufficient to determine the role of this variant in disease. Therefore, it has been classified as a Variant of Uncertain Significance.